The following is an entry in ClinVar:

NM_182961.4(SYNE1):c.13580A>G (p.Gln4527Arg)

Gene: SYNE1 (spectrin repeat containing nuclear envelope protein 1; minus strand). Cytogenetic location: 6q25.2.
Variant type: single nucleotide variant.
Coding change: c.13580A>G on transcript NM_182961.4 (MANE Select); coding-DNA position 13580, A replaced by G.
Protein change: p.Gln4527Arg; replaces glutamine 4527 with arginine.
Molecular consequence: missense variant.
Genome position (GRCh38, 1-based): chr6:152,331,105, T>C on the plus strand (A>G on the coding strand, the complement: SYNE1 is on the minus strand). VCF-style: chr6-152331105-T-C. GRCh37 (hg19) VCF-style: chr6-152652240-T-C.
Other names: c.13580A>G (NM_182961.2); c.13367A>G, p.Gln4456Arg (NM_033071.5); c.13367A>G (NM_033071.3); short protein forms Q4456R, Q4527R.
Identifiers: ClinVar variation 1519674 (VCV001519674.8), dbSNP rs747550581, ClinGen allele CA4056155.

ClinVar aggregate classification (germline): Uncertain significance. Review status: criteria provided, multiple submitters, no conflicts (2 of 4 stars). 3 submissions from 3 submitters: Uncertain significance (3). Last evaluated 2022-10-26.

Conditions:
Emery-Dreifuss muscular dystrophy 4, autosomal dominant (EDMD4). Also called: EMERY-DREIFUSS MUSCULAR DYSTROPHY 4 WITH VARIABLE FEATURES. Identifiers: Orphanet 261, MedGen C2751807, MONDO:0013071, OMIM 612998.
Autosomal recessive ataxia, Beauce type. Also called: Spinocerebellar ataxia, autosomal recessive 8; ATAXIA, RECESSIVE, OF BEAUCE; SYNE1 Deficiency; SYNE1-Related Autosomal Recessive Cerebellar Ataxia. Identifiers: Orphanet 88644, MedGen C1853116, MONDO:0012549, OMIM 610743.

Allele frequency attached by ClinVar (database versions not stated): ExAC 0.00001; gnomAD 0.00001; gnomAD exomes 0.00001; TOPMed 0.00002.
gnomAD v4.1: 6 of 1,614,098 alleles (0.00037%); highest among the groups gnomAD compares: Non-Finnish European, 0.00051%; no homozygotes.

Submissions (3):

Athena Diagnostics
Classification: Uncertain significance. Last evaluated: 2022-10-26. Review status: criteria provided, single submitter. Criteria: Athena Diagnostics Criteria. Collection method: clinical testing. Allele origin: unknown.
Comment: Available data are insufficient to determine the clinical significance of the variant at this time. The frequency of this variant in the general population is uninformative in assessment of its pathogenicity. Computational tools predict that this variant is not damaging.

Labcorp Genetics (formerly Invitae), Labcorp
Classification: Uncertain significance for Emery-Dreifuss muscular dystrophy 4, autosomal dominant; Autosomal recessive ataxia, Beauce type. Last evaluated: 2021-09-24. Review status: criteria provided, single submitter. Criteria: Invitae Variant Classification Sherloc (09022015). Collection method: clinical testing. Allele origin: germline.
Comment: This sequence change replaces glutamine with arginine at codon 4456 of the SYNE1 protein (p.Gln4456Arg). The glutamine residue is highly conserved and there is a small physicochemical difference between glutamine and arginine. This variant is present in population databases (rs747550581, ExAC 0.001%). This variant has not been reported in the literature in individuals with SYNE1-related conditions. Algorithms developed to predict the effect of missense changes on protein structure and function (SIFT, PolyPhen-2, Align-GVGD) all suggest that this variant is likely to be disruptive, but these predictions have not been confirmed by published functional studies and their clinical significance is uncertain. In summary, the available evidence is currently insufficient to determine the role of this variant in disease. Therefore, it has been classified as a Variant of Uncertain Significance.

Revvity Omics, Revvity
Classification: Uncertain significance. Last evaluated: 2021-03-18. Review status: criteria provided, single submitter. Criteria: ACMG Guidelines, 2015. Collection method: clinical testing. Allele origin: germline.